The following is an entry in ClinVar:

ClinVar aggregate classification (germline): Uncertain significance (1 of 4 stars; one submission).

Conditions:
Familial thoracic aortic aneurysm and aortic dissection (TAAD). Also called: Thoracic aortic aneurysms and dissections. Identifiers: Orphanet 91387, MedGen C4707243, MONDO:0019625.

Submission:

Ambry Genetics
Classification: Uncertain significance for Familial thoracic aortic aneurysm and aortic dissection. Last evaluated: 2023-03-18. Review status: criteria provided, single submitter. Criteria: Ambry Variant Classification Scheme 2023. Collection method: clinical testing. Allele origin: germline.
Comment: The p.N319K variant (also known as c.957C>A), located in coding exon 8 of the PRKG1 gene, results from a C to A substitution at nucleotide position 957. The asparagine at codon 319 is replaced by lysine, an amino acid with similar properties. This amino acid position is conserved. In addition, the in silico prediction for this alteration is inconclusive. Since supporting evidence is limited at this time, the clinical significance of this alteration remains unclear.

NM_006258.4(PRKG1):c.957C>A (p.Asn319Lys)

Gene: PRKG1 (protein kinase cGMP-dependent 1; plus strand). Cytogenetic location: 10q21.1.
Variant type: single nucleotide variant.
Coding change: c.957C>A on transcript NM_006258.4 (MANE Select); coding-DNA position 957, C replaced by A.
Protein change: p.Asn319Lys; replaces asparagine 319 with lysine.
Molecular consequence: missense variant. On other transcripts: 5 prime UTR variant (1).
Genome position (GRCh38, 1-based): chr10:52,133,861, C>A. VCF-style: chr10-52133861-C-A. GRCh37 (hg19) VCF-style: chr10-53893621-C-A.
Other names: c.912C>A, p.Asn304Lys (NM_001098512.3); c.-253C>A (NM_001374781.1); short protein forms N304K, N319K.
Identifiers: ClinVar variation 2565414 (VCV002565414.2), dbSNP rs949262667, ClinGen allele CA376534326.